The following is an entry in ClinVar:

ClinVar aggregate classification (germline): Pathogenic (1 of 4 stars; one submission).

Conditions:
Mucopolysaccharidosis, MPS-II (MPS2). Also called: Hunter Syndrome; IDURONATE 2-SULFATASE DEFICIENCY; Mucopolysaccharidosis Type II; Mucopolysaccharidosis type 2; Attenuated MPS (subtype; formerly known as mild MPS II); Severe MPS II. Identifiers: Orphanet 580, Orphanet 79388, MedGen C0026705, MONDO:0010674, OMIM 309900.

Submission:

Laboratory of Diagnosis and Therapy of Lysosomal Disorders, University of Padova
Classification: Pathogenic for Mucopolysaccharidosis, MPS-II. Last evaluated: 2024-06-07. Review status: criteria provided, single submitter. Criteria: ACMG Guidelines, 2015. Collection method: literature only. Allele origin: germline. Affected: yes. Observed: 1 variant allele.
Comment: Null variant (PVS1_VeryStrong), Absent from controls (or at low frequency) in gnomAD database (PM2_Moderate), Patient’s phenotype or family history highly specific for the disease (PP4_Strong)

Classification method: ACMG Guidelines [PMID:25741868] with modifications

Literature cited by the submitters: PubMed 33075783.

NM_000202.8(IDS):c.115_118dup (p.Leu40fs)

Gene: IDS (iduronate 2-sulfatase; minus strand). Cytogenetic location: Xq28.
Variant type: Duplication.
Coding change: c.115_118dup on transcript NM_000202.8 (MANE Select); coding-DNA positions 115 to 118, 4 bases duplicated (GTTC; older notation c.115_118dupGTTC).
Protein change: p.Leu40fs; shifts the reading frame from leucine 40.
Molecular consequence: frameshift variant. On other transcripts: 5 prime UTR variant (1), non-coding transcript variant (1).
Genome position (GRCh38, 1-based): chrX:149,504,279-149,504,282, GAAC duplicated on the plus strand (GTTC on the coding strand, the reverse complement: IDS is on the minus strand); duplicating any 4 consecutive bases within chrX:149,504,279-149,504,283 gives the same sequence; the c. name uses the placement nearest the transcript's 3' end. VCF-style (leftmost placement, unchanged base first): chrX-149504278-A-AGAAC. GRCh37 (hg19) VCF-style: chrX-148585808-A-AGAAC.
Other names: c.-112_-109dup (NM_001166550.4); c.115_118dup, p.Leu40fs (NM_006123.5); short protein forms L40fs.
Identifiers: ClinVar variation 3255780 (VCV003255780.2).
Genomic context (GRCh38, chrX:149,504,278, plus strand): 5'-CTCACCAGCTTATCCCCATAACAGCCCAGGGAGGGGCGCAGGTCATCCACGATGATGAGA[A>AGAAC]GAACGTTCAGAGCATCTACACAGGAGGGAGGGGCTTTGGTGAGGTAACCTGCACTGACAC-3'